The following is an entry in ClinVar:

ClinVar aggregate classification (germline): Uncertain significance (1 of 4 stars; one submission).

Conditions:
Hereditary spastic paraplegia 11. Also called: Spastic paraplegia, mental retardation and thin corpus callosum; Nakamura Osame syndrome; Autosomal recessive hereditary spastic paraplegia, mental impairment, and thin corpus callosum; SPASTIC PARAPLEGIA, AUTOSOMAL RECESSIVE, COMPLICATED, WITH THIN CORPUS CALLOSUM; SPASTIC PARAPLEGIA, AUTOSOMAL RECESSIVE, WITH MENTAL IMPAIRMENT AND THIN CORPUS CALLOSUM; Spastic Paraplegia 11. Identifiers: Orphanet 2822, MedGen C1858479, MONDO:0011445, OMIM 604360.

Submission:

Labcorp Genetics (formerly Invitae), Labcorp
Classification: Uncertain significance for Hereditary spastic paraplegia 11. Last evaluated: 2022-08-23. Review status: criteria provided, single submitter. Criteria: Invitae Variant Classification Sherloc (09022015). Collection method: clinical testing. Allele origin: germline.
Comment: This sequence change replaces threonine, which is neutral and polar, with serine, which is neutral and polar, at codon 1777 of the SPG11 protein (p.Thr1777Ser). This variant is not present in population databases (gnomAD no frequency). This variant has not been reported in the literature in individuals affected with SPG11-related conditions. Algorithms developed to predict the effect of missense changes on protein structure and function are either unavailable or do not agree on the potential impact of this missense change (SIFT: "Tolerated"; PolyPhen-2: "Probably Damaging"; Align-GVGD: "Class C0"). In summary, the available evidence is currently insufficient to determine the role of this variant in disease. Therefore, it has been classified as a Variant of Uncertain Significance.

NM_025137.4(SPG11):c.5330C>G (p.Thr1777Ser)

Gene: SPG11 (SPG11 vesicle trafficking associated, spatacsin; minus strand). Cytogenetic location: 15q21.1.
Variant type: single nucleotide variant.
Coding change: c.5330C>G on transcript NM_025137.4 (MANE Select); coding-DNA position 5330, C replaced by G.
Protein change: p.Thr1777Ser; replaces threonine 1777 with serine.
Molecular consequence: missense variant.
Genome position (GRCh38, 1-based): chr15:44,584,350, G>C on the plus strand (C>G on the coding strand, the complement: SPG11 is on the minus strand). VCF-style: chr15-44584350-G-C. GRCh37 (hg19) VCF-style: chr15-44876548-G-C.
Other names: c.5330C>G, p.Thr1777Ser (NM_001160227.2); c.5186C>G, p.Thr1729Ser (NM_001411132.1); short protein forms T1777S, T1729S.
Identifiers: ClinVar variation 1915574 (VCV001915574.2), dbSNP rs2505292752, ClinGen allele CA392222781.